The following is an entry in ClinVar:

ClinVar aggregate classification (germline): Uncertain significance. Review status: criteria provided, multiple submitters, no conflicts (2 of 4 stars). 3 submissions from 3 submitters: Uncertain significance (3). Last evaluated 2025-04-22.

Conditions:
KIDINS220-related disorder. Also called: KIDINS220-related condition.
Inborn genetic diseases. Identifiers: MedGen C0950123, MeSH D030342.

gnomAD v4.1: 4 of 1,614,046 alleles (0.00025%); highest among the groups gnomAD compares: African/African-American, 0.0053%; no homozygotes.

Submissions (3):

PreventionGenetics, part of Exact Sciences
Classification: Uncertain significance for KIDINS220-related condition. Last evaluated: 2025-04-22. Review status: criteria provided, single submitter. Criteria: ACMG Guidelines, 2015. Collection method: clinical testing. Allele origin: germline.
Comment: The KIDINS220 c.5117G>T variant is predicted to result in the amino acid substitution p.Arg1706Met. To our knowledge, this variant has not been reported in the literature. This variant is reported in 0.0065% of alleles in individuals of African descent in gnomAD. At this time, the clinical significance of this variant is uncertain due to the absence of conclusive functional and genetic evidence.

Ambry Genetics
Classification: Uncertain significance for Inborn genetic diseases. Last evaluated: 2024-11-09. Review status: criteria provided, single submitter. Criteria: Ambry Variant Classification Scheme 2023. Collection method: clinical testing. Allele origin: germline.

Labcorp Genetics (formerly Invitae), Labcorp
Classification: Uncertain significance. Last evaluated: 2024-08-15. Review status: criteria provided, single submitter. Criteria: Invitae Variant Classification Sherloc (09022015). Collection method: clinical testing. Allele origin: germline.
Comment: This sequence change replaces arginine, which is basic and polar, with methionine, which is neutral and non-polar, at codon 1706 of the KIDINS220 protein (p.Arg1706Met). This variant is present in population databases (no rsID available, gnomAD 0.007%). This variant has not been reported in the literature in individuals affected with KIDINS220-related conditions. An algorithm developed to predict the effect of missense changes on protein structure and function (PolyPhen-2) suggests that this variant is likely to be tolerated. In summary, the available evidence is currently insufficient to determine the role of this variant in disease. Therefore, it has been classified as a Variant of Uncertain Significance.

NM_020738.4(KIDINS220):c.5117G>T (p.Arg1706Met)

Gene: KIDINS220 (kinase D interacting substrate 220; minus strand). Cytogenetic location: 2p25.1.
Variant type: single nucleotide variant.
Coding change: c.5117G>T on transcript NM_020738.4 (MANE Select); coding-DNA position 5117, G replaced by T.
Protein change: p.Arg1706Met; replaces arginine 1706 with methionine.
Molecular consequence: missense variant. On other transcripts: intron variant (6).
Genome position (GRCh38, 1-based): chr2:8,730,919, C>A on the plus strand (G>T on the coding strand, the complement: KIDINS220 is on the minus strand). VCF-style: chr2-8730919-C-A. GRCh37 (hg19) VCF-style: chr2-8871049-C-A.
Other names: c.4946G>T, p.Arg1649Met (NM_001348735.2); c.4820G>T, p.Arg1607Met (NM_001348736.2); c.3882+2525G>T (NM_001348741.2, NM_001348742.2, NM_001348743.2); c.3996+2525G>T (NM_001348738.2); c.3885+2525G>T (NM_001348739.2, NM_001348740.2); c.5120G>T, p.Arg1707Met (NM_001348729.2); c.5063G>T, p.Arg1688Met (NM_001348731.2); c.5060G>T, p.Arg1687Met (NM_001348732.2); and 1 more; short protein forms R1607M, R1649M, R1650M, R1687M, R1688M, R1706M, R1707M.
Identifiers: ClinVar variation 3350486 (VCV003350486.5).